The following is an entry in ClinVar:

NM_005670.4(EPM2A):c.363_364dup (p.Tyr122fs)

Gene: EPM2A (EPM2A glucan phosphatase, laforin; minus strand). Cytogenetic location: 6q24.3.
Variant type: Microsatellite.
Coding change: c.363_364dup on transcript NM_005670.4 (MANE Select); coding-DNA positions 363 to 364, 2 bases duplicated (GT; older notation c.363_364dupGT).
Protein change: p.Tyr122fs; shifts the reading frame from tyrosine 122.
Molecular consequence: frameshift variant. On other transcripts: 5 prime UTR variant (5), non-coding transcript variant (1).
Genome position (GRCh38, 1-based): chr6:145,686,234-145,686,235, AC duplicated on the plus strand (GT on the coding strand, the reverse complement: EPM2A is on the minus strand); duplicating any 2 consecutive bases within chr6:145,686,234-145,686,239 gives the same sequence; the c. name uses the placement nearest the transcript's 3' end. VCF-style (leftmost placement, unchanged base first): chr6-145686233-T-TAC. GRCh37 (hg19) VCF-style: chr6-146007369-T-TAC.
Other names: NM_005670.4(EPM2A):c.363_364dup; p.Tyr122fs; c.363_364dup, p.Tyr122fs (NM_001018041.2, NM_001360057.2, NM_001368130.1); c.-56GT[4] (NM_001360064.2, NM_001360071.2, NM_001368131.1); c.-265GT[4] (NM_001368129.2, NM_001368132.1); short protein forms Y122fs.
Identifiers: ClinVar variation 954222 (VCV000954222.11), dbSNP rs1780901751, ClinGen allele CA1670263153.

ClinVar aggregate classification (germline): Pathogenic/Likely pathogenic. Review status: criteria provided, multiple submitters, no conflicts (2 of 4 stars). 3 submissions from 3 submitters: Pathogenic (2); Likely pathogenic (1). Last evaluated 2025-01-06.

Conditions:
Progressive myoclonic epilepsy. Also called: Myoclonic Epilepsies, Progressive; Progressive myoclonus epilepsy; Familial progressive myoclonic epilepsy; Myoclonus epilepsy. Identifiers: Orphanet 308, Orphanet 98261, MedGen C0751778, MONDO:0020074.
Lafora disease. Also called: Epilepsy progressive myoclonic 2; Progressive Myoclonus Epilepsy, Lafora Type. Identifiers: Orphanet 501, MedGen C0751783, MONDO:0009697.
EPM2A-related disorders.

Submissions (3):

Broad Center for Mendelian Genomics, Broad Institute of MIT and Harvard
Classification: Pathogenic for Lafora disease. Last evaluated: 2025-01-06. Review status: criteria provided, single submitter. Criteria: ACMG Guidelines, 2015. Collection method: curation. Allele origin: germline. Inheritance: Autosomal recessive inheritance.
Comment: The p.Tyr122fs variant in EPM2A has been reported, in the compound heterozygous state with another pathogenic variant, in 2 siblings with Lafora disease (PMID: 12019207), and has been identified in 0.0002% (2/1111690) of European (non-Finnish) chromosomes by the Genome Aggregation Database (gnomAD; dbSNP rs1780901751). Although this variant has been seen in the general population in a heterozygous state, its frequency is low enough to be consistent with a recessive carrier frequency. This variant has also been reported in ClinVar (Variation ID: 954222) and has been interpreted as pathogenic by Invitae. This variant is predicted to cause a frameshift, which alters the protein‚Äôs amino acid sequence beginning at position 122 and leads to a premature termination codon 6 amino acids downstream. This alteration is then predicted to lead to a truncated or absent protein. Loss of function of the EPM2A gene is an established disease mechanism in autosomal recessive Lafora disease. In summary, this variant meets criteria to be classified as pathogenic for autosomal recessive Lafora disease. ACMG/AMP Criteria applied: PVS1, PM3, PM2_supporting (Richards 2015).

Blueprint Genetics
Classification: Likely pathogenic for EPM2A-related disorders. Last evaluated: 2024-01-15. Review status: criteria provided, single submitter. Criteria: ACMG Guidelines, 2015. Collection method: clinical testing. Allele origin: germline. Affected: yes. Observed: 2 variant alleles.

Labcorp Genetics (formerly Invitae), Labcorp
Classification: Pathogenic for Progressive myoclonic epilepsy. Last evaluated: 2019-09-09. Review status: criteria provided, single submitter. Criteria: Invitae Variant Classification Sherloc (09022015). Collection method: clinical testing. Allele origin: germline.
Comment: For these reasons, this variant has been classified as Pathogenic. Loss-of-function variants in EPM2A are known to be pathogenic (PMID: 20738377). This variant has been observed to segregate with Lafora’s progressive myoclonus epilepsy in a family (PMID: 12019207). This variant is also known as c.364_365insGT in the literature. This variant is not present in population databases (ExAC no frequency). This sequence change creates a premature translational stop signal (p.Tyr122Cysfs*6) in the EPM2A gene. It is expected to result in an absent or disrupted protein product.

Literature cited by the submitters: PubMed 20738377 (cited by Labcorp Genetics (formerly Invitae), Labcorp); PubMed 12019207 (cited by Labcorp Genetics (formerly Invitae), Labcorp).